The following is an entry in ClinVar:

NM_005592.4(MUSK):c.677_685del (p.Gly226_Phe228del)

Gene: MUSK (muscle associated receptor tyrosine kinase; plus strand). Cytogenetic location: 9q31.3.
Variant type: Deletion.
Coding change: c.677_685del on transcript NM_005592.4 (MANE Select); coding-DNA positions 677 to 685, 9 bases deleted (GCTCCTTTG; older notation c.677_685delGCTCCTTTG).
Protein change: p.Gly226_Phe228del.
Molecular consequence: inframe deletion. On other transcripts: 5 prime UTR variant (1).
Genome position (GRCh38, 1-based): chr9:110,734,299-110,734,307, GCTCCTTTG deleted; deleting any 9 consecutive bases within chr9:110,734,293-110,734,307 gives the same sequence; the c. name uses the placement nearest the transcript's 3' end. VCF-style (leftmost placement, unchanged base first): chr9-110734292-ACCTTTGGCT-A. GRCh37 (hg19) VCF-style: chr9-113496572-ACCTTTGGCT-A.
Other names: c.677_685delGCTCCTTTG (NM_005592.4); c.707_715del, p.Gly236_Phe238del (NM_001166280.2); c.677_685del, p.Gly226_Phe228del (NM_001166281.2); c.-560_-552del (NM_001369398.1).
Identifiers: ClinVar variation 4887100 (VCV004887100.1).

ClinVar aggregate classification (germline): Uncertain significance (1 of 4 stars; one submission).

Submission:

Women's Health and Genetics/Laboratory Corporation of America, LabCorp
Classification: Uncertain significance. Last evaluated: 2026-06-19. Review status: criteria provided, single submitter. Criteria: LabCorp Variant Classification Summary - May 2015. Collection method: clinical testing. Allele origin: germline.
Comment: Variant summary: MUSK c.677_685delGCTCCTTTG (p.Gly226_Phe228del) results in an in-frame deletion that is predicted to remove three amino acids from the encoded protein. The variant allele was found at a frequency of 4e-06 in 248744 control chromosomes. The available data on variant occurrences in the general population are insufficient to allow any conclusion about variant significance. To our knowledge, no occurrence of c.677_685delGCTCCTTTG in individuals affected with MUSK-related conditions and no experimental evidence demonstrating its impact on protein function have been reported. No submitters have cited clinical-significance assessments for this variant to ClinVar. Based on the evidence outlined above, the variant was classified as uncertain significance.